The following is an entry in ClinVar:

ClinVar aggregate classification (germline): Likely pathogenic. Review status: criteria provided, multiple submitters, no conflicts (2 of 4 stars). 3 submissions from 3 submitters: Likely pathogenic (2). 1 of the submissions does not count toward it. Last evaluated 2024-08-26.

Conditions:
Sandhoff disease. Also called: GM2-GANGLIOSIDOSIS, TYPE II; HEXOSAMINIDASES A AND B DEFICIENCY; Beta-hexosaminidase-beta-subunit deficiency; GM2 gangliosidosis, type 2; Total hexosaminidase deficiency; Sandhoff-Jatzkewitz-Pilz disease. Identifiers: Orphanet 796, MedGen C0036161, MONDO:0010006, OMIM 268800.

Submissions (3):

Natera, Inc.
Classification: Likely pathogenic for Sandhoff disease. Last evaluated: 2024-08-26. Review status: criteria provided, single submitter. Criteria: Natera Variant Classification Schema (03/2026). Collection method: clinical testing. Allele origin: germline.
Comment: The c.300-1G>A variant in HEXB is a canonical splice acceptor site variant predicted to affect pre-mRNA splicing, which may result in an abnormal transcript and altered protein product. This variant is expected to result in nonsense mediated decay, truncation, or a dysfunctional protein product. This variant is rare in the general population with a frequency below the threshold expected for the associated phenotype(s). Given the available evidence, this variant is classified as Likely Pathogenic.

Labcorp Genetics (formerly Invitae), Labcorp
Classification: Likely pathogenic for Sandhoff disease. Last evaluated: 2023-12-02. Review status: criteria provided, single submitter. Criteria: Invitae Variant Classification Sherloc (09022015). Collection method: clinical testing. Allele origin: germline.
Comment: This sequence change affects an acceptor splice site in intron 1 of the HEXB gene. It is expected to disrupt RNA splicing. Variants that disrupt the donor or acceptor splice site typically lead to a loss of protein function (PMID: 16199547), and loss-of-function variants in HEXB are known to be pathogenic (PMID: 7550345, 18758829). This variant is not present in population databases (gnomAD no frequency). This variant has not been reported in the literature in individuals affected with HEXB-related conditions. ClinVar contains an entry for this variant (Variation ID: 553126). Algorithms developed to predict the effect of sequence changes on RNA splicing suggest that this variant may disrupt the consensus splice site. In summary, the currently available evidence indicates that the variant is pathogenic, but additional data are needed to prove that conclusively. Therefore, this variant has been classified as Likely Pathogenic.

Counsyl
Classification: Likely pathogenic for Sandhoff disease. Last evaluated: 2017-07-28. Review status: no assertion criteria provided. Collection method: clinical testing. Allele origin: unknown. Not counted in ClinVar's aggregate classification.

Literature cited by the submitters: PubMed 16199547 (cited by Labcorp Genetics (formerly Invitae), Labcorp); PubMed 7550345 (cited by Labcorp Genetics (formerly Invitae), Labcorp); PubMed 18758829 (cited by Labcorp Genetics (formerly Invitae), Labcorp).

NM_000521.4(HEXB):c.300-1G>A

Gene: HEXB (hexosaminidase subunit beta; plus strand). Cytogenetic location: 5q13.3.
Variant type: single nucleotide variant.
Coding change: c.300-1G>A on transcript NM_000521.4 (MANE Select); the canonical splice acceptor site of the intron before coding-DNA position 300, G replaced by A.
Molecular consequence: splice acceptor variant.
Genome position (GRCh38, 1-based): chr5:74,689,327, G>A. VCF-style: chr5-74689327-G-A. GRCh37 (hg19) VCF-style: chr5-73985152-G-A.
Other names: c.-376-1G>A (NM_001292004.2).
Identifiers: ClinVar variation 553126 (VCV000553126.6), dbSNP rs967720287, ClinGen allele CA360062843.